The following is an entry in ClinVar:

ClinVar aggregate classification (germline): Pathogenic (1 of 4 stars; one submission).

Submission:

Quest Diagnostics Nichols Institute San Juan Capistrano
Classification: Pathogenic. Last evaluated: 2020-01-08. Review status: criteria provided, single submitter. Criteria: Quest Diagnostics criteria. Collection method: clinical testing. Allele origin: unknown.
Comment: The variant disrupts the natural start codon, and is therefore predicted to result in the loss of a functional protein. Found in at least one patient with expected phenotype for this gene, and not found in general population data.

Literature cited by the submitters: PubMed 2440502; PubMed 2921044; PubMed 20110179; PubMed 20437613; PubMed 26948378; PubMed 29182041.

NM_000518.5(HBB):c.-50_92del (p.Met1fs)

Genes: HBB (hemoglobin subunit beta; minus strand), LOC106099062 (HBB recombination region; plus strand), LOC107133510 (origin of replication at HBB; plus strand). Cytogenetic location: 11p15.4.
Variant type: Deletion.
Coding change: c.-50_92del on transcript NM_000518.5 (MANE Select); 50 bases upstream of the start codon through coding-DNA position 92, 142 bases deleted.
Protein change: p.Met1fs; shifts the reading frame from methionine 1.
Molecular consequence: frameshift variant, initiator codon variant.
Genome position (GRCh38, 1-based): chr11:5,226,930-5,227,071, 142 bases deleted. GRCh37 (hg19): chr11:5,248,160-5,248,301.
Other names: short protein forms M1fs.
Identifiers: ClinVar variation 993192 (VCV000993192.2), dbSNP rs1847579731, ClinGen allele CA1139661798.